The following is an entry in ClinVar:

ClinVar aggregate classification (germline): Likely benign. Review status: criteria provided, multiple submitters, no conflicts (2 of 4 stars). 3 submissions from 3 submitters: Likely benign (2). 1 of the submissions does not count toward it. Last evaluated 2026-01-04.

Conditions:
GCM2-related disorder. Also called: GCM2-related condition.
Hyperparathyroidism 4 (HRPT4). Identifiers: MedGen C4479229, MONDO:0024570, OMIM 617343.
Hypoparathyroidism, familial isolated, 2. Identifiers: MedGen C5394383, MONDO:0020798, OMIM 618883.

Allele frequency attached by ClinVar (database versions not stated): ExAC 0.00002; gnomAD 0.00004 and 0.00005; gnomAD exomes 0.00004; TOPMed 0.00004.
gnomAD v4.1: 108 of 1,613,018 alleles (0.0067%); highest among the groups gnomAD compares: South Asian, 0.022%; 2 homozygotes.

Submissions (3):

Labcorp Genetics (formerly Invitae), Labcorp
Classification: Likely benign. Last evaluated: 2026-01-04. Review status: criteria provided, single submitter. Criteria: Invitae Variant Classification Sherloc (09022015). Collection method: clinical testing. Allele origin: germline.

Fulgent Genetics
Classification: Likely benign for Hyperparathyroidism 4; Hypoparathyroidism, familial isolated, 2. Last evaluated: 2022-02-04. Review status: criteria provided, single submitter. Criteria: ACMG Guidelines, 2015. Collection method: clinical testing. Allele origin: unknown.

PreventionGenetics, part of Exact Sciences
Classification: Likely benign for GCM2-related condition. Last evaluated: 2019-05-06. Review status: no assertion criteria provided. Collection method: clinical testing. Allele origin: germline. Not counted in ClinVar's aggregate classification.
Comment: This variant is classified as likely benign based on ACMG/AMP sequence variant interpretation guidelines (Richards et al. 2015 PMID: 25741868, with internal and published modifications).

NM_004752.4(GCM2):c.318C>T (p.Cys106=)

Gene: GCM2 (glial cells missing transcription factor 2; minus strand). Cytogenetic location: 6p24.2.
Variant type: single nucleotide variant.
Coding change: c.318C>T on transcript NM_004752.4 (MANE Select); coding-DNA position 318, C replaced by T.
Protein change: p.Cys106=; no amino-acid change (cysteine 106 retained).
Molecular consequence: synonymous variant.
Genome position (GRCh38, 1-based): chr6:10,877,165, G>A on the plus strand (C>T on the coding strand, the complement: GCM2 is on the minus strand). VCF-style: chr6-10877165-G-A. GRCh37 (hg19) VCF-style: chr6-10877398-G-A.
Identifiers: ClinVar variation 728562 (VCV000728562.7), dbSNP rs749600723, ClinGen allele CA3634116.
Genomic context (GRCh38, chr6:10,877,165, plus strand): 5'-CCAAGGTCACCCTCTCCCTGGCCCCATGTCCTCACTCTGCTGTTTCAGCCGTGCCTTGTC[G>A]CAGATGGCCGGCCTCAGCTGCAGGCGGGAACCGTCGGGCAGGGTGCAGGCCTGTGTACAC-3'
Protein context (NP_004743.1, residues 96-116): GSRLQLRPAI[Cys106=]DKARLKQQKK